The following is an entry in ClinVar:

NC_000003.11:g.(?_195798247)_(195803970_?)del

Gene: TFRC (transferrin receptor; minus strand). Cytogenetic location: 3q29.
Variant type: Deletion.
Identifiers: ClinVar variation 2424657 (VCV002424657.4).

ClinVar aggregate classification (germline): Uncertain significance (1 of 4 stars; one submission).

Submission:

Labcorp Genetics (formerly Invitae), Labcorp
Classification: Uncertain significance. Last evaluated: 2022-06-07. Review status: criteria provided, single submitter. Criteria: Invitae Variant Classification Sherloc (09022015). Collection method: clinical testing. Allele origin: germline.
Comment: In summary, the available evidence is currently insufficient to determine the role of this variant in disease. Therefore, it has been classified as a Variant of Uncertain Significance. This variant has not been reported in the literature in individuals affected with TFRC-related conditions. This variant is a gross deletion of the genomic region encompassing exon(s) 2-6 of the TFRC gene, which includes the initiator codon. This deletion extends beyond the assayed region for this gene and therefore may encompass additional genes. It is expected to result in an absent or disrupted protein product. However, the current clinical and genetic evidence is not sufficient to establish whether loss-of-function variants in TFRC cause disease.